The following is an entry in ClinVar:

ClinVar aggregate classification (germline): Uncertain significance. Review status: criteria provided, multiple submitters, no conflicts (2 of 4 stars). 2 submissions from 2 submitters: Uncertain significance (2). Last evaluated 2022-10-25.

Conditions:
Familial thoracic aortic aneurysm and aortic dissection (TAAD). Also called: Thoracic aortic aneurysms and dissections. Identifiers: Orphanet 91387, MedGen C4707243, MONDO:0019625.
Marfan syndrome (MFS). Also called: Marfan's syndrome; Marfan syndrome, classic; MARFAN SYNDROME, TYPE I; Marfan syndrome type 1; FBN1-Related Marfan Syndrome. Identifiers: Orphanet 284963, Orphanet 558, MedGen C0024796, MONDO:0007947, OMIM 154700.

Allele frequency attached by ClinVar (database versions not stated): gnomAD exomes below 0.00001.
gnomAD v4.1: 3 of 1,614,052 alleles (0.00019%); highest among the groups gnomAD compares: East Asian, 0.0022%; no homozygotes.

Submissions (2):

Centre of Medical Genetics, University Hospital Muenster
Classification: Uncertain significance for Marfan syndrome. Last evaluated: 2022-10-25. Review status: criteria provided, single submitter. Criteria: ACMG Guidelines, 2015. Collection method: clinical testing. Allele origin: unknown. Affected: yes. Observed: 1 variant allele, 1 heterozygote.
Comment: ACMG categories: PM1,PM2,PP3

Ambry Genetics
Classification: Uncertain significance for Familial thoracic aortic aneurysm and aortic dissection. Last evaluated: 2022-04-09. Review status: criteria provided, single submitter. Criteria: Ambry Variant Classification Scheme 2023. Collection method: clinical testing. Allele origin: germline.
Comment: The p.T296A variant (also known as c.886A>G), located in coding exon 5 of the TGFBR1 gene, results from an A to G substitution at nucleotide position 886. The threonine at codon 296 is replaced by alanine, an amino acid with similar properties. This amino acid position is conserved. In addition, this alteration is predicted to be deleterious by in silico analysis. Since supporting evidence is limited at this time, the clinical significance of this alteration remains unclear.

NM_004612.4(TGFBR1):c.886A>G (p.Thr296Ala)

Gene: TGFBR1 (transforming growth factor beta receptor 1; plus strand). Cytogenetic location: 9q22.33.
Variant type: single nucleotide variant.
Coding change: c.886A>G on transcript NM_004612.4 (MANE Select); coding-DNA position 886, A replaced by G.
Protein change: p.Thr296Ala; replaces threonine 296 with alanine.
Molecular consequence: missense variant.
Genome position (GRCh38, 1-based): chr9:99,142,616, A>G. VCF-style: chr9-99142616-A-G. GRCh37 (hg19) VCF-style: chr9-101904898-A-G.
Other names: c.655A>G, p.Thr219Ala (NM_001130916.3, NM_001407435.1); c.898A>G, p.Thr300Ala (NM_001306210.2); c.691A>G, p.Thr231Ala (NM_001407418.1, NM_001407419.1, NM_001407420.1 and 1 more transcripts); c.679A>G, p.Thr227Ala (NM_001407423.1, NM_001407424.1, NM_001407425.1 and 8 more transcripts); c.640A>G, p.Thr214Ala (NM_001407436.1); c.178A>G, p.Thr60Ala (NM_001407437.1); c.409A>G, p.Thr137Ala (NM_001407438.1); short protein forms T227A, T60A, T137A, T231A, T296A, T214A, T219A, T300A.
Identifiers: ClinVar variation 1764937 (VCV001764937.4), dbSNP rs1443375770, ClinGen allele CA374230665.